The following is an entry in ClinVar:

NM_001429.4(EP300):c.319C>T (p.Gln107Ter)

Gene: EP300 (E1A binding protein p300; plus strand). Cytogenetic location: 22q13.2.
Variant type: single nucleotide variant.
Coding change: c.319C>T on transcript NM_001429.4 (MANE Select); coding-DNA position 319, C replaced by T.
Protein change: p.Gln107Ter; replaces glutamine 107 with a stop codon.
Molecular consequence: nonsense.
Genome position (GRCh38, 1-based): chr22:41,117,411, C>T. VCF-style: chr22-41117411-C-T. GRCh37 (hg19) VCF-style: chr22-41513415-C-T.
Other names: c.319C>T, p.Gln107Ter (NM_001362843.2); short protein forms Q107*.
Identifiers: ClinVar variation 424555 (VCV000424555.2), dbSNP rs1064797038, ClinGen allele CA16621124.
Genomic context (GRCh38, chr22:41,117,411, plus strand): 5'-TCTGGTAGTTCCCCTAACCTCAATATGGGAGTTGGTGGCCCAGGTCAAGTCATGGCCAGC[C>T]AGGCCCAACAGAGCAGTCCTGGATTAGGTTTGATAAATAGCATGGTCAAAAGCCCAATGA-3'

ClinVar aggregate classification (germline): Pathogenic (1 of 4 stars; one submission).

Submission:

GeneDx
Classification: Pathogenic. Last evaluated: 2017-03-28. Review status: criteria provided, single submitter. Criteria: GeneDx Variant Classification (06012015). Collection method: clinical testing. Allele origin: germline. Affected: yes.
Comment: The Q107X variant in the EP300 gene has not been reported previously as a pathogenic variant nor as a benign variant, to our knowledge. This variant is predicted to cause loss of normal protein function either through protein truncation or nonsense-mediated mRNA decay. The Q107X variant is not observed in large population cohorts (Lek et al., 2016; 1000 Genomes Consortium et al., 2015; Exome Variant Server). We interpret Q107X as a pathogenic variant.